The following is an entry in ClinVar:

ClinVar aggregate classification (germline): Conflicting classifications of pathogenicity. Review status: criteria provided, conflicting classifications (1 of 4 stars). 4 submissions from 4 submitters: Pathogenic (1); Uncertain significance (3). Last evaluated 2026-01-01.

Conditions:
Oculodentodigital dysplasia, autosomal recessive. Also called: OCULODENTOOSSEOUS DYSPLASIA, AUTOSOMAL RECESSIVE; ODDD, AUTOSOMAL RECESSIVE; ODOD, AUTOSOMAL RECESSIVE. Identifiers: Orphanet 2710, MedGen C2749477, MONDO:0009768, OMIM 257850.

Allele frequency attached by ClinVar (database versions not stated): gnomAD exomes 0.00001; ExAC 0.00002.
gnomAD v4.1: 8 of 1,613,768 alleles (0.0005%); highest among the groups gnomAD compares: Admixed American, 0.01%; no homozygotes.

Submissions (4):

CeGaT Center for Human Genetics Tuebingen
Classification: Uncertain significance. Last evaluated: 2026-01-01. Review status: criteria provided, single submitter. Criteria: CeGaT Center For Human Genetics Tuebingen Variant Classification Criteria Version 2. Collection method: clinical testing. Allele origin: germline. Affected: yes. Observed: 1 variant allele.
Comment: GJA1: PM2

Labcorp Genetics (formerly Invitae), Labcorp
Classification: Pathogenic for Oculodentodigital dysplasia, autosomal recessive. Last evaluated: 2025-09-02. Review status: criteria provided, single submitter. Criteria: Invitae Variant Classification Sherloc (09022015). Collection method: clinical testing. Allele origin: germline.
Comment: This sequence change creates a premature translational stop signal (p.Arg153*) in the GJA1 gene. While this is not anticipated to result in nonsense mediated decay, it is expected to disrupt the last 230 amino acid(s) of the GJA1 protein. This variant is present in population databases (rs763503078, gnomAD 0.02%). This variant has not been reported in the literature in individuals affected with GJA1-related conditions. ClinVar contains an entry for this variant (Variation ID: 1704116). This variant disrupts a region of the GJA1 protein in which other variant(s) (p.Pro193Ala) have been determined to be pathogenic (internal data). This suggests that this is a clinically significant region of the protein, and that variants that disrupt it are likely to be disease-causing. For these reasons, this variant has been classified as Pathogenic.

Women's Health and Genetics/Laboratory Corporation of America, LabCorp
Classification: Uncertain significance. Last evaluated: 2022-11-03. Review status: criteria provided, single submitter. Criteria: LabCorp Variant Classification Summary - May 2015. Collection method: clinical testing. Allele origin: germline.
Comment: Variant summary: GJA1 c.457C>T (p.Arg153X) results in a premature termination codon, predicted to cause a truncation of the encoded protein or absence of the protein due to nonsense mediated decay. Truncations downstream of this position have been cited in HGMD and ClinVar with conflicting interpretations including likely pathogenic/disease-associated or uncertain significance. The variant allele was found in 6 individuals at a frequency of 2.4e-05 in 251488 control chromosomes (gnomAD). To our knowledge, no occurrence of c.457C>T in individuals affected with Oculodentodigital Dysplasia and no experimental evidence demonstrating its impact on protein function have been reported. A ClinVar submitter (evaluation after 2014) cites the variant as uncertain significance. Based on the evidence outlined above, the variant was classified as uncertain significance.

GeneDx
Classification: Uncertain significance. Last evaluated: 2022-03-04. Review status: criteria provided, single submitter. Criteria: GeneDx Variant Classification Process June 2021. Collection method: clinical testing. Allele origin: germline. Affected: yes.
Comment: Nonsense variant in the C-terminus predicted to result in protein truncation, as the last 230 amino acids are lost, and other loss-of-function variants have been reported downstream in the Human Gene Mutation Database (HGMD); Has not been previously published as pathogenic or benign to our knowledge

NM_000165.5(GJA1):c.457C>T (p.Arg153Ter)

Gene: GJA1 (gap junction protein alpha 1; plus strand). Cytogenetic location: 6q22.31.
Variant type: single nucleotide variant.
Coding change: c.457C>T on transcript NM_000165.5 (MANE Select); coding-DNA position 457, C replaced by T.
Protein change: p.Arg153Ter; replaces arginine 153 with a stop codon.
Molecular consequence: nonsense.
Genome position (GRCh38, 1-based): chr6:121,447,304, C>T. VCF-style: chr6-121447304-C-T. GRCh37 (hg19) VCF-style: chr6-121768450-C-T.
Other names: short protein forms R153*.
Identifiers: ClinVar variation 1704116 (VCV001704116.12), dbSNP rs763503078, ClinGen allele CA3981690.